The following is an entry in ClinVar:

ClinVar aggregate classification (germline): Likely benign. Review status: criteria provided, multiple submitters, no conflicts (2 of 4 stars). 2 submissions from 2 submitters: Likely benign (2). Last evaluated 2024-11-22.

Allele frequency attached by ClinVar (database versions not stated): ExAC 0.00137; gnomAD exomes 0.00041 and 0.00067; gnomAD 0.00041; TOPMed 0.00051.
gnomAD v4.1: 632 of 1,530,808 alleles (0.041%); highest among the groups gnomAD compares: Admixed American, 0.089%; 1 homozygote.

Submissions (2):

Blueprint Genetics
Classification: Likely benign. Last evaluated: 2024-11-22. Review status: criteria provided, single submitter. Criteria: ACMG Guidelines, 2015. Collection method: clinical testing. Allele origin: germline.

CeGaT Center for Human Genetics Tuebingen
Classification: Likely benign. Last evaluated: 2023-10-01. Review status: criteria provided, single submitter. Criteria: CeGaT Center For Human Genetics Tuebingen Variant Classification Criteria Version 2. Collection method: clinical testing. Allele origin: germline. Affected: yes. Observed: 2 variant alleles.
Comment: RALGDS: BP4, BP7

NM_001042368.3(RALGDS):c.18+17915C>T

Gene: RALGDS (ral guanine nucleotide dissociation stimulator; minus strand). Cytogenetic location: 9q34.2.
Variant type: single nucleotide variant.
Coding change: c.18+17915C>T on transcript NM_001042368.3; 17915 bases into the intron after coding-DNA position 18, C replaced by T.
Molecular consequence: intron variant. On other transcripts: synonymous variant (1).
Genome position (GRCh38, 1-based): chr9:133,131,048, G>A on the plus strand (C>T on the coding strand, the complement: RALGDS is on the minus strand). VCF-style: chr9-133131048-G-A. GRCh37 (hg19) VCF-style: chr9-136006435-G-A.
Other names: c.36C>T, p.His12= (NM_001271774.2).
Identifiers: ClinVar variation 810460 (VCV000810460.41), dbSNP rs772873336, ClinGen allele CA5304905.
Genomic context (GRCh38, chr9:133,131,048, plus strand): 5'-TGGCTGCAAGTGGAGGGCACAGGGCAGGGAGCAGAACAGCAGAGGCGGGGAGGAGAGGGT[G>A]TGGGCAGGGGCTGTGGAGTGCCCCCACAGGCACATCAGGCCCTGGGGCCCGGCTTCCCGC-3'